The following is an entry in ClinVar:

ClinVar aggregate classification (germline): Pathogenic (1 of 4 stars; one submission).

Conditions:
Lynch syndrome 5 (LYNCH5). Also called: Colorectal cancer, hereditary nonpolyposis, type 5; Hereditary non-polyposis colorectal cancer, type 5. Identifiers: Orphanet 144, MedGen C1833477, MONDO:0013710, OMIM 614350. Disease mechanism: loss of function.

Submission:

Myriad Genetics, Inc.
Classification: Pathogenic for Lynch syndrome 5. Last evaluated: 2023-08-11. Review status: criteria provided, single submitter. Criteria: Myriad Autosomal Dominant, Autosomal Recessive and X-Linked Classification Criteria (2023). Collection method: clinical testing. Allele origin: unknown.
Comment: This variant is considered pathogenic. This variant creates a frameshift predicted to result in premature protein truncation.

NM_000179.3(MSH6):c.866del (p.Gly289fs)

Gene: MSH6 (mutS homolog 6; plus strand). Cytogenetic location: 2p16.3.
Variant type: Deletion.
Coding change: c.866del on transcript NM_000179.3 (MANE Select); coding-DNA position 866, one base deleted (G; older notation c.866delG).
Protein change: p.Gly289fs; shifts the reading frame from glycine 289.
Molecular consequence: frameshift variant. On other transcripts: 5 prime UTR variant (9), non-coding transcript variant (4), intron variant (1).
Genome position (GRCh38, 1-based): chr2:47,798,849, G deleted; the last of 2 consecutive G bases (chr2:47,798,848-47,798,849); deleting either gives the same sequence. VCF-style (leftmost placement, unchanged base first): chr2-47798847-AG-A. GRCh37 (hg19) VCF-style: chr2-48025986-AG-A.
Other names: c.866del, p.Gly289fs (NM_001406798.1, NM_001406800.1, NM_001406803.1 and 4 more transcripts); c.341del, p.Gly114fs (NM_001406799.1, NM_001406806.1, NM_001406807.1); c.569del, p.Gly190fs (NM_001406801.1, NM_001406805.1, NM_001406818.1 and 10 more transcripts); c.962del, p.Gly321fs (NM_001406802.1, NM_001406795.1); c.788del, p.Gly263fs (NM_001406804.1); c.-41del (NM_001406811.1, NM_001406812.1, NM_001406814.1 and 6 more transcripts); c.872del, p.Gly291fs (NM_001406813.1); c.698del, p.Gly233fs (NM_001406826.1); and 2 more; short protein forms G114fs, G159fs, G190fs, G233fs, G263fs, G289fs, G291fs, G321fs.
Identifiers: ClinVar variation 2673603 (VCV002673603.1), dbSNP rs2530575120, ClinGen allele CA2695200505.